The following is an entry in ClinVar:

ClinVar aggregate classification (germline): Uncertain significance (1 of 4 stars; one submission).

Submission:

Ambry Genetics
Classification: Uncertain significance. Last evaluated: 2025-09-22. Review status: criteria provided, single submitter. Criteria: Ambry Variant Classification Scheme 2023. Collection method: clinical testing. Allele origin: germline.
Comment: The p.Y152F variant (also known as c.455A>T), located in coding exon 1 of the MC1R gene, results from an A to T substitution at nucleotide position 455. The tyrosine at codon 152 is replaced by phenylalanine, an amino acid with highly similar properties. This amino acid position is conserved. In addition, this alteration is predicted to be tolerated by in silico analysis. Based on the available evidence, the clinical significance of this variant remains unclear.

NM_002386.4(MC1R):c.455A>T (p.Tyr152Phe)

Gene: MC1R (melanocortin 1 receptor; plus strand). Cytogenetic location: 16q24.3.
Variant type: single nucleotide variant.
Coding change: c.455A>T on transcript NM_002386.4 (MANE Select); coding-DNA position 455, A replaced by T.
Protein change: p.Tyr152Phe; replaces tyrosine 152 with phenylalanine.
Molecular consequence: missense variant.
Genome position (GRCh38, 1-based): chr16:89,919,713, A>T. VCF-style: chr16-89919713-A-T. GRCh37 (hg19) VCF-style: chr16-89986121-A-T.
Other names: short protein forms Y152F.
Identifiers: ClinVar variation 4550289 (VCV004550289.1).